The following is an entry in ClinVar:

NM_002160.4(TNC):c.6292C>T (p.Arg2098Cys)

Gene: TNC (tenascin C; minus strand). Cytogenetic location: 9q33.1.
Variant type: single nucleotide variant.
Coding change: c.6292C>T on transcript NM_002160.4 (MANE Select); coding-DNA position 6292, C replaced by T.
Protein change: p.Arg2098Cys; replaces arginine 2098 with cysteine.
Molecular consequence: missense variant.
Genome position (GRCh38, 1-based): chr9:115,026,573, G>A on the plus strand (C>T on the coding strand, the complement: TNC is on the minus strand). VCF-style: chr9-115026573-G-A. GRCh37 (hg19) VCF-style: chr9-117788852-G-A.
Other names: c.5746C>T, p.Arg1916Cys (NM_001410991.1, NM_001439083.1, NM_001439084.1 and 2 more transcripts); c.6841C>T, p.Arg2281Cys (NM_001439065.1, NM_001439066.1, NM_001439067.1); c.6568C>T, p.Arg2190Cys (NM_001439068.1, NM_001439069.1, NM_001439070.1); c.6565C>T, p.Arg2189Cys (NM_001439071.1); c.6295C>T, p.Arg2099Cys (NM_001439072.1, NM_001439073.1); c.6292C>T, p.Arg2098Cys (NM_001439074.1, NM_001439075.1, NM_001439076.1); c.6019C>T, p.Arg2007Cys (NM_001439077.1, NM_001439078.1, NM_001439079.1 and 3 more transcripts); c.5473C>T, p.Arg1825Cys (NM_001439087.1, NM_001439088.1); and 4 more; short protein forms R1734C, R1825C, R2190C, R2098C, R2281C, R1461C, R1552C, R1643C.
Identifiers: ClinVar variation 4988468 (VCV004988468.1).

ClinVar aggregate classification (germline): Uncertain significance (1 of 4 stars; one submission).

Conditions:
TNC-related disorder. Also called: TNC-related condition.

gnomAD v4.1: 13 of 1,614,016 alleles (0.00081%); highest among the groups gnomAD compares: Admixed American, 0.005%; no homozygotes.

Submission:

PreventionGenetics, part of Exact Sciences
Classification: Uncertain significance for TNC-related condition. Last evaluated: 2026-02-16. Review status: criteria provided, single submitter. Criteria: ACMG Guidelines, 2015. Collection method: clinical testing. Allele origin: germline.
Comment: The TNC c.6292C>T variant is predicted to result in the amino acid substitution p.Arg2098Cys. To our knowledge, this variant has not been reported in the literature. This variant is reported in 0.012% of alleles in individuals of Latino descent in gnomAD. At this time, the clinical significance of this variant is uncertain due to the absence of conclusive functional and genetic evidence.